The following is an entry in ClinVar:

ClinVar aggregate classification (germline): Uncertain significance. Review status: criteria provided, multiple submitters, no conflicts (2 of 4 stars). 2 submissions from 2 submitters: Uncertain significance (2). Last evaluated 2025-03-02.

Conditions:
Polycystic kidney disease, adult type (PKD1). Also called: Polycystic Kidney Disease 1, Autosomal Dominant; Polycystic kidney disease 1; Polycystic kidney disease 1, severe; Polycystic Kidney, Autosomal Dominant; POLYCYSTIC KIDNEY DISEASE 1 WITH OR WITHOUT POLYCYSTIC LIVER DISEASE; POLYCYSTIC KIDNEY DISEASE, ADULT, TYPE I. Identifiers: MedGen C3149841, MONDO:0008263, OMIM 173900.

Submissions (2):

Victorian Clinical Genetics Services, Murdoch Childrens Research Institute
Classification: Uncertain significance for Polycystic kidney disease, adult type. Last evaluated: 2025-03-02. Review status: criteria provided, single submitter. Criteria: ACMG Guidelines, 2015. Collection method: clinical testing. Allele origin: germline. Affected: yes.
Comment: This variant is classified as VUS-3B. Evidence in support of pathogenic classification: Variant is absent from gnomAD (both v2 and v3). Additional information: Variant is predicted to result in a missense amino acid change from serine to proline; This gene is associated with autosomal dominant disease. Polycystic kidney disease 1 (MIM#173900) is predominantly caused by monoallelic variants, with rare reports of biallelic variants causing disease (OMIM); Multiple alternative amino acid changes at the same position have been observed in gnomAD (v2: highest allele count 18 heterozygotes, 0 homozygotes); Previous evidence of pathogenicity for this variant is inconclusive. This variant has been reported as a variant of unknown significance in two individuals (ClinVar, PMID:33437033); No published segregation evidence has been identified for this variant; No published functional evidence has been identified for this variant; Another missense variant comparable to the one identified in this case has inconclusive previous evidence for pathogenicity. The p.(Ser2009Leu) missense change has been reported three times as a variant of unknown significance (ClinVar, ADPKD variant database); Variant is located in the annotated PKD domain (DECIPHER); Missense variant with conflicting in silico predictions and uninformative conservation; Loss of function is a known mechanism of disease in this gene and is associated with polycystic kidney disease 1 (MIM#173900).

Molecular Genetics of Inherited Kidney Disorders Laboratory, Garvan Institute of Medical Research
Classification: Uncertain significance. Last evaluated: 2019-01-01. Review status: criteria provided, single submitter. Criteria: ACMG Guidelines, 2015. Collection method: clinical testing. Allele origin: germline. Affected: yes.

Literature cited by the submitters: PubMed 33437033 (cited by Victorian Clinical Genetics Services, Murdoch Childrens Research Institute).

NM_001009944.3(PKD1):c.6025T>C (p.Ser2009Pro)

Gene: PKD1 (polycystin 1, transient receptor potential channel interacting; minus strand). Cytogenetic location: 16p13.3.
Variant type: single nucleotide variant.
Coding change: c.6025T>C on transcript NM_001009944.3 (MANE Select); coding-DNA position 6025, T replaced by C.
Protein change: p.Ser2009Pro; replaces serine 2009 with proline.
Molecular consequence: missense variant.
Genome position (GRCh38, 1-based): chr16:2,109,142, A>G on the plus strand (T>C on the coding strand, the complement: PKD1 is on the minus strand). VCF-style: chr16-2109142-A-G. GRCh37 (hg19) VCF-style: chr16-2159143-A-G.
Other names: c.6025T>C, p.Ser2009Pro (NM_000296.4); short protein forms S2009P.
Identifiers: ClinVar variation 972825 (VCV000972825.4), dbSNP rs2092436796, ClinGen allele CA394374665.
Genomic context (GRCh38, chr16:2,109,142, plus strand): 5'-TGTAGGTGACGTCGCGGCCCGACAGGATGACCAGCGAGTCGCCCTGGACCTTCTGCAGCG[A>G]GAAGTACCAGGCGTAGGCGACCCGAGAGCCGCGCTGCACGCGGGCTGTGAAGTTCCTCTC-3'
Protein context (NP_001009944.3, residues 1999-2019): GSRVAYAWYF[Ser2009Pro]LQKVQGDSLV